The following is an entry in ClinVar:

ClinVar aggregate classification (germline): Benign (1 of 4 stars; one submission).

Allele frequency attached by ClinVar (database versions not stated): 1000 Genomes Project 30x 0.76827; 1000 Genomes Project 0.77177; gnomAD 0.78686 and 0.78726; TOPMed 0.79023.
gnomAD v4.1: 119,728 of 152,022 alleles (79%); highest among the groups gnomAD compares: East Asian, 83%; 47,209 homozygotes.

Submission:

GeneDx
Classification: Benign. Last evaluated: 2018-06-14. Review status: criteria provided, single submitter. Criteria: GeneDx Variant Classification (06012015). Collection method: clinical testing. Allele origin: germline. Affected: yes.
Comment: This variant is considered likely benign or benign based on one or more of the following criteria: it is a conservative change, it occurs at a poorly conserved position in the protein, it is predicted to be benign by multiple in silico algorithms, and/or has population frequency not consistent with disease.

NM_022124.6(CDH23):c.4360-333T>C

Gene: CDH23 (cadherin related 23; plus strand). Cytogenetic location: 10q22.1.
Variant type: single nucleotide variant.
Coding change: c.4360-333T>C on transcript NM_022124.6 (MANE Select); 333 bases into the intron before coding-DNA position 4360, T replaced by C.
Molecular consequence: intron variant.
Genome position (GRCh38, 1-based): chr10:71,739,311, T>C. VCF-style: chr10-71739311-T-C. GRCh37 (hg19) VCF-style: chr10-73499068-T-C.
Identifiers: ClinVar variation 680505 (VCV000680505.1), dbSNP rs1227058, ClinGen allele CA13292417.